The following is an entry in ClinVar:

NM_002439.5(MSH3):c.1579C>T (p.Gln527Ter)

Gene: MSH3 (mutS homolog 3; plus strand). Cytogenetic location: 5q14.1.
Variant type: single nucleotide variant.
Coding change: c.1579C>T on transcript NM_002439.5 (MANE Select); coding-DNA position 1579, C replaced by T.
Protein change: p.Gln527Ter; replaces glutamine 527 with a stop codon.
Molecular consequence: nonsense.
Genome position (GRCh38, 1-based): chr5:80,741,474, C>T. VCF-style: chr5-80741474-C-T. GRCh37 (hg19) VCF-style: chr5-80037293-C-T.
Other names: c.1579C>T (NM_002439.3); short protein forms Q527*.
Identifiers: ClinVar variation 1459073 (VCV001459073.38), dbSNP rs1204734473, ClinGen allele CA360274435.

ClinVar aggregate classification (germline): Pathogenic. Review status: criteria provided, multiple submitters, no conflicts (2 of 4 stars). 3 submissions from 3 submitters: Pathogenic (3). Last evaluated 2022-12-19.

Conditions:
Hereditary cancer-predisposing syndrome. Also called: Hereditary neoplastic syndrome; Tumor predisposition; Hereditary Cancer Syndrome; Neoplastic Syndromes, Hereditary. Identifiers: Orphanet 140162, MedGen C0027672, MeSH D009386, MONDO:0015356.

Allele frequency attached by ClinVar (database versions not stated): gnomAD exomes below 0.00001.
gnomAD v4.1: 1 of 1,579,848 alleles (0.000063%); highest among the groups gnomAD compares: Non-Finnish European, 0.000087%; no homozygotes.

Submissions (3):

Ambry Genetics
Classification: Pathogenic for Hereditary cancer-predisposing syndrome. Last evaluated: 2022-12-19. Review status: criteria provided, single submitter. Criteria: Ambry Variant Classification Scheme 2023. Collection method: clinical testing. Allele origin: germline.
Comment: The p.Q527* variant (also known as c.1579C>T), located in coding exon 11 of the MSH3 gene, results from a C to T substitution at nucleotide position 1579. This changes the amino acid from a glutamine to a stop codon within coding exon 11. This variant is considered to be rare based on population cohorts in the Genome Aggregation Database (gnomAD). This alteration is expected to result in loss of function by premature protein truncation or nonsense-mediated mRNA decay. As such, this alteration is interpreted as a disease-causing mutation.

CeGaT Center for Human Genetics Tuebingen
Classification: Pathogenic. Last evaluated: 2022-06-01. Review status: criteria provided, single submitter. Criteria: CeGaT Center For Human Genetics Tuebingen Variant Classification Criteria Version 2. Collection method: clinical testing. Allele origin: germline. Affected: yes. Observed: 1 variant allele.
Comment: MSH3: PVS1, PM2

Labcorp Genetics (formerly Invitae), Labcorp
Classification: Pathogenic. Last evaluated: 2022-01-17. Review status: criteria provided, single submitter. Criteria: Invitae Variant Classification Sherloc (09022015). Collection method: clinical testing. Allele origin: germline.
Comment: This sequence change creates a premature translational stop signal (p.Gln527*) in the MSH3 gene. It is expected to result in an absent or disrupted protein product. Loss-of-function variants in MSH3 are known to be pathogenic (PMID: 27476653). This variant is present in population databases (no rsID available, gnomAD 0.0009%). This variant has not been reported in the literature in individuals affected with MSH3-related conditions. For these reasons, this variant has been classified as Pathogenic.

Literature cited by the submitters: PubMed 27476653 (cited by Labcorp Genetics (formerly Invitae), Labcorp).